The following is an entry in ClinVar:

NM_004333.6(BRAF):c.1781A>G (p.Asp594Gly)

Gene: BRAF (B-Raf proto-oncogene, serine/threonine kinase; minus strand). Cytogenetic location: 7q34.
Variant type: single nucleotide variant.
Coding change: c.1781A>G on transcript NM_004333.6 (MANE Select); coding-DNA position 1781, A replaced by G.
Protein change: p.Asp594Gly; replaces aspartic acid 594 with glycine.
Molecular consequence: missense variant.
Genome position (GRCh38, 1-based): chr7:140,753,354, T>C on the plus strand (A>G on the coding strand, the complement: BRAF is on the minus strand). VCF-style: chr7-140753354-T-C. GRCh37 (hg19) VCF-style: chr7-140453154-T-C.
Other names: c.1781A>G, p.Asp594Gly (NM_001354609.2, NM_001378468.1, NM_001378474.1); c.1901A>G, p.Asp634Gly (NM_001374244.1, NM_001374258.1); c.1790A>G, p.Asp597Gly (NM_001378467.1); c.1715A>G, p.Asp572Gly (NM_001378469.1); c.1679A>G, p.Asp560Gly (NM_001378470.1); c.1670A>G, p.Asp557Gly (NM_001378471.1); c.1625A>G, p.Asp542Gly (NM_001378472.1, NM_001378473.1); c.1517A>G, p.Asp506Gly (NM_001378475.1); short protein forms D594G, D560G, D506G, D542G, D557G, D572G, D597G, D634G.
Identifiers: ClinVar variation 13972 (VCV000013972.17), dbSNP rs121913338, ClinGen allele CA123657.
Genomic context (GRCh38, chr7:140,753,354, plus strand): 5'-GACAACTGTTCAAACTGATGGGACCCACTCCATCGAGATTTCACTGTAGCTAGACCAAAA[T>C]CACCTATTTTTACTGTGAGGTCTTCATGAAGAAATATATCTGAGGTGTAGTAAGTAAAGG-3'
Protein context (NP_004324.2, residues 584-604): LHEDLTVKIG[Asp594Gly]FGLATVKSRW

ClinVar aggregate classification (germline): Conflicting classifications of pathogenicity. Review status: criteria provided, conflicting classifications (1 of 4 stars). 5 submissions from 5 submitters: Pathogenic (2); Uncertain significance (1). 2 of the submissions do not count toward it. Last evaluated 2025-06-14.
ClinVar aggregate classification (somatic clinical impact): Tier I - Strong (1 of 4 stars; one submission).
ClinVar aggregate classification (oncogenicity): Oncogenic (1 of 4 stars; one submission).

Conditions:
RASopathy. Also called: rasopathies; Noonan spectrum disorder. Identifiers: Orphanet 536391, MedGen C5555857, MONDO:0021060.
Non-small cell lung carcinoma (NSCLC). Also called: Non-small cell lung cancer. Identifiers: MedGen C0007131, MeSH D002289, MONDO:0005233, HP:0030358. Disease mechanism: Other.
Non-Hodgkin lymphoma (NHL). Also called: Malignant lymphoma, non-Hodgkin; LYMPHOMA, NON-HODGKIN, SOMATIC. Identifiers: Orphanet 547, MedGen C0024305, MONDO:0018908, HP:0012539.
Lung adenocarcinoma. Also called: Adenocarcinoma of lung; Adenocarcinoma of lung, somatic. Identifiers: MedGen C0152013, MeSH D000077192, MONDO:0005061, HP:0030078.
Ganglioglioma. Also called: Mixed cell tumors containing both neural ganglionic cells and neural glial cell components. Identifiers: Orphanet 251949, MedGen C0206716, MONDO:0016733, HP:0033664.
Neoplasm. Also called: tumor; Neoplasms; Neoplasm (disease). Identifiers: MedGen C0027651, MeSH D009369, MONDO:0005070, HP:0002664.

Submissions (7):

Labcorp Genetics (formerly Invitae), Labcorp
Classification: Uncertain significance for RASopathy. Last evaluated: 2025-06-14. Review status: criteria provided, single submitter. Criteria: Invitae Variant Classification Sherloc (09022015). Collection method: clinical testing. Allele origin: germline.
Comment: This sequence change replaces aspartic acid, which is acidic and polar, with glycine, which is neutral and non-polar, at codon 594 of the BRAF protein (p.Asp594Gly). This variant is not present in population databases (gnomAD no frequency). This variant has not been reported in the literature in individuals affected with BRAF-related conditions. ClinVar contains an entry for this variant (Variation ID: 13972). Invitae Evidence Modeling incorporating data from in vitro experimental studies (internal data) indicates that this missense variant is expected to disrupt BRAF function with a positive predictive value of 95%. Experimental studies have shown that this missense change affects BRAF function (PMID: 23352452, 28947956, 29595366). In summary, the available evidence is currently insufficient to determine the role of this variant in disease. Therefore, it has been classified as a Variant of Uncertain Significance.

Center for Genomic Medicine, Rigshospitalet, Copenhagen University Hospital
Classification: Oncogenic for Neoplasm. Last evaluated: 2025-03-04. Review status: criteria provided, single submitter. Criteria: ClinGen/CGC/VICC Guidelines for Oncogenicity, 2022. Collection method: clinical testing. Allele origin: somatic. Affected: yes.

Clinical Genomics Laboratory, Washington University in St. Louis
Classification: Pathogenic. Last evaluated: 2024-06-09. Review status: criteria provided, single submitter. Criteria: Leon-Quintero et al. (Clin Genet. 2025). Collection method: clinical testing. Allele origin: somatic. Affected: yes.
Comment: A BRAF c.1781A>G (p.Asp594Gly) variant was identified at an allelic fraction consistent with somatic origin. This variant has been reported in the ClinVar database as a variant of uncertain significance in a germline state by one submitter (ClinVar Variation ID: 13972) and it has been reported in numerous types of cancers in the cancer database COSMIC (Genomic Mutation ID: COSV56065695). This variant is absent from the general population (gnomAD v.4.1.0), indicating it is not a common variant. The BRAF c.1781A>G (p.Asp594Gly) variant occurs at a highly conserved residue within the CR3 activation segment, amino acids 594-627, of BRAF that is defined as a critical functional domain (Wellbrock C, et al., PMID: 15520807; Gelb BD, et al., PMID: 29493581). Computational predictors indicate that the variant is damaging, evidence that correlates with impact to BRAF function. In support of this prediction, functional studies show that this kinase-dead BRAF variant has a higher dimerization potential with CRAF as compared with WT BRAF and it has the ability to bypass autoinhibitory autophosphorylation which results in a sustained mitogen-activated protein kinase (MAPK) signaling (Cope NJ et al., PMID: 31929109). The BRAF gene is defined by the ClinGen RASopathy expert panel as a gene that has a low rate of benign missense variation and where pathogenic missense variants are a common mechanism of disease (Gelb BD, et al., PMID: 29493581). Other variants in the same codon, c.1782T>G (p.Asp594Glu) and c.1781A>T (p.Asp594Val), have been reported and are considered pathogenic (including by an expert panel), likely pathogenic, or uncertain significance (ClinVar IDs: 375946, 375944). Based on available information and an internally developed protocol informed by the ACMG/AMP guidelines for variant interpretation and gene-specific practices from the ClinGen Criteria Specification Registry (Leon-Quintero FZ et al., PMID: 39434542), the BRAF c.1781A>G (p.Asp594Gly) variant is classified as pathogenic.

Institute for Genomic Medicine (IGM) Clinical Laboratory, Nationwide Children's Hospital
Classification: Tier I - Strong for Ganglioglioma. Assertion type: diagnostic. Clinical significance: supports diagnosis. Last evaluated: 2024-03-26. Review status: criteria provided, single submitter. Criteria: AMP/ASCO/CAP Guidelines, 2017. Collection method: clinical testing. Allele origin: somatic. Affected: yes.
Comment: Variant has Tier I (strong) clinical significance as a diagnostic inclusion criterion in ganglioglioma, based on the following evidence: 1) Diagnostic for a specific tumor type/classification according to professional guidelines (Evidence Level A; PMIDs: 30006355, 23609006, 24238153).

Laboratory for Molecular Medicine, Mass General Brigham Personalized Medicine
Classification: Pathogenic for Non-small cell lung carcinoma. Last evaluated: 2012-06-11. Review status: criteria provided, single submitter. Criteria: LMM Criteria. Collection method: clinical testing. Allele origin: somatic. Observed: 2 variant alleles.
Comment: This variant has been reported as a somatic change in large intestine, skin, end ometrium, stomach, and ovary (COSMIC, Fransen 2004) and has been observed in up to 11% of BRAF mutant positive lung adenocarcinoma (Paik 2011).

OMIM
Classification: Pathogenic for LYMPHOMA, NON-HODGKIN, SOMATIC. Last evaluated: 2003-11-17. Review status: no assertion criteria provided. Collection method: literature only. Allele origin: somatic. Not counted in ClinVar's aggregate classification.

Key Laboratory of Carcinogenesis and Cancer Invasion, Central South University
Classification: Likely pathogenic for Adenocarcinoma of lung. Review status: no assertion criteria provided. Collection method: clinical testing. Allele origin: somatic. Affected: yes. Not counted in ClinVar's aggregate classification.

Literature cited by the submitters: PubMed 23352452 (cited by Labcorp Genetics (formerly Invitae), Labcorp); PubMed 28947956 (cited by Labcorp Genetics (formerly Invitae), Labcorp); PubMed 29595366 (cited by Labcorp Genetics (formerly Invitae), Labcorp); PubMed 29533785 (cited by Center for Genomic Medicine, Rigshospitalet, Copenhagen University Hospital); PubMed 18794803 (cited by Center for Genomic Medicine, Rigshospitalet, Copenhagen University Hospital); PubMed 28783719 (cited by Center for Genomic Medicine, Rigshospitalet, Copenhagen University Hospital); PubMed 31929109 (cited by Center for Genomic Medicine, Rigshospitalet, Copenhagen University Hospital); PubMed 29540830 (cited by Center for Genomic Medicine, Rigshospitalet, Copenhagen University Hospital); PubMed 30006355 (cited by Institute for Genomic Medicine (IGM) Clinical Laboratory, Nationwide Children's Hospital); PubMed 23609006 (cited by Institute for Genomic Medicine (IGM) Clinical Laboratory, Nationwide Children's Hospital); PubMed 24238153 (cited by Institute for Genomic Medicine (IGM) Clinical Laboratory, Nationwide Children's Hospital); PubMed 14688025 (cited by Laboratory for Molecular Medicine, Mass General Brigham Personalized Medicine); PubMed 14612909 (cited by OMIM).